The following is an entry in ClinVar:

NM_005618.4(DLL1):c.1960G>A (p.Val654Ile)

Genes: DLL1 (delta like canonical Notch ligand 1; minus strand), LOC126859913 (P300/CBP strongly-dependent group 1 enhancer GRCh37_chr6:170591232-170592431; plus strand). Cytogenetic location: 6q27.
Variant type: single nucleotide variant.
Coding change: c.1960G>A on transcript NM_005618.4 (MANE Select); coding-DNA position 1960, G replaced by A.
Protein change: p.Val654Ile; replaces valine 654 with isoleucine.
Molecular consequence: missense variant.
Genome position (GRCh38, 1-based): chr6:170,283,319, C>T on the plus strand (G>A on the coding strand, the complement: DLL1 is on the minus strand). VCF-style: chr6-170283319-C-T. GRCh37 (hg19) VCF-style: chr6-170592407-C-T.
Other names: c.1960G>A (NM_005618.3); short protein forms V654I.
Identifiers: ClinVar variation 2064099 (VCV002064099.5), dbSNP rs775884511, ClinGen allele CA4106669.

ClinVar aggregate classification (germline): Uncertain significance. Review status: criteria provided, multiple submitters, no conflicts (2 of 4 stars). 2 submissions from 2 submitters: Uncertain significance (2). Last evaluated 2026-02-01.

Conditions:
Inborn genetic diseases. Identifiers: MedGen C0950123, MeSH D030342.

Allele frequency attached by ClinVar (database versions not stated): ExAC 0.00001.
gnomAD v4.1: 21 of 1,613,030 alleles (0.0013%); highest among the groups gnomAD compares: Non-Finnish European, 0.0017%; no homozygotes.

Submissions (2):

Labcorp Genetics (formerly Invitae), Labcorp
Classification: Uncertain significance. Last evaluated: 2026-02-01. Review status: criteria provided, single submitter. Criteria: Invitae Variant Classification Sherloc (09022015). Collection method: clinical testing. Allele origin: germline.
Comment: This sequence change replaces valine, which is neutral and non-polar, with isoleucine, which is neutral and non-polar, at codon 654 of the DLL1 protein (p.Val654Ile). This variant is present in population databases (rs775884511, gnomAD 0.003%). This variant has not been reported in the literature in individuals affected with DLL1-related conditions. ClinVar contains an entry for this variant (Variation ID: 2064099). An algorithm developed to predict the effect of missense changes on protein structure and function outputs the following: PolyPhen-2: "Benign". The isoleucine amino acid residue is found in multiple mammalian species, which suggests that this missense change does not adversely affect protein function. In summary, the available evidence is currently insufficient to determine the role of this variant in disease. Therefore, it has been classified as a Variant of Uncertain Significance.

Ambry Genetics
Classification: Uncertain significance for Inborn genetic diseases. Last evaluated: 2023-10-02. Review status: criteria provided, single submitter. Criteria: Ambry Variant Classification Scheme 2023. Collection method: clinical testing. Allele origin: germline.